The following is an entry in ClinVar:

NM_015001.3(SPEN):c.5955G>T (p.Arg1985Ser)

Gene: SPEN (spen family transcriptional repressor; plus strand). Cytogenetic location: 1p36.13.
Variant type: single nucleotide variant.
Coding change: c.5955G>T on transcript NM_015001.3 (MANE Select); coding-DNA position 5955, G replaced by T.
Protein change: p.Arg1985Ser; replaces arginine 1985 with serine.
Molecular consequence: missense variant.
Genome position (GRCh38, 1-based): chr1:15,932,195, G>T. VCF-style: chr1-15932195-G-T. GRCh37 (hg19) VCF-style: chr1-16258690-G-T.
Other names: short protein forms R1985S.
Identifiers: ClinVar variation 3907731 (VCV003907731.1).

ClinVar aggregate classification (germline): Uncertain significance (1 of 4 stars; one submission).

gnomAD v4.1: 1 of 1,612,284 alleles (0.000062%); highest among the groups gnomAD compares: Non-Finnish European, 0.000085%; no homozygotes.

Submission:

GeneDx
Classification: Uncertain significance. Last evaluated: 2024-12-31. Review status: criteria provided, single submitter. Criteria: GeneDx Variant Classification Process June 2021. Collection method: clinical testing. Allele origin: germline. Affected: yes.
Comment: Not observed at significant frequency in large population cohorts (gnomAD); In silico analysis indicates that this missense variant does not alter protein structure/function; Has not been previously published as pathogenic or benign to our knowledge